The following is an entry in ClinVar:

ClinVar aggregate classification (germline): Uncertain significance (1 of 4 stars; one submission).

gnomAD v4.1: 4 of 1,614,214 alleles (0.00025%); highest among the groups gnomAD compares: Non-Finnish European, 0.00034%; no homozygotes.

Submission:

Labcorp Genetics (formerly Invitae), Labcorp
Classification: Uncertain significance. Last evaluated: 2024-08-13. Review status: criteria provided, single submitter. Criteria: Invitae Variant Classification Sherloc (09022015). Collection method: clinical testing. Allele origin: germline.
Comment: This sequence change replaces alanine, which is neutral and non-polar, with glycine, which is neutral and non-polar, at codon 72 of the PPP1R15B protein (p.Ala72Gly). This variant is present in population databases (rs141363384, gnomAD 0.003%). This variant has not been reported in the literature in individuals affected with PPP1R15B-related conditions. Advanced modeling of protein sequence and biophysical properties (such as structural, functional, and spatial information, amino acid conservation, physicochemical variation, residue mobility, and thermodynamic stability) performed at Invitae indicates that this missense variant is expected to disrupt PPP1R15B protein function with a positive predictive value of 80%. In summary, the available evidence is currently insufficient to determine the role of this variant in disease. Therefore, it has been classified as a Variant of Uncertain Significance.

NM_032833.5(PPP1R15B):c.215C>G (p.Ala72Gly)

Gene: PPP1R15B (protein phosphatase 1 regulatory subunit 15B; minus strand). Cytogenetic location: 1q32.1.
Variant type: single nucleotide variant.
Coding change: c.215C>G on transcript NM_032833.5 (MANE Select); coding-DNA position 215, C replaced by G.
Protein change: p.Ala72Gly; replaces alanine 72 with glycine.
Molecular consequence: missense variant.
Genome position (GRCh38, 1-based): chr1:204,411,197, G>C on the plus strand (C>G on the coding strand, the complement: PPP1R15B is on the minus strand). VCF-style: chr1-204411197-G-C. GRCh37 (hg19) VCF-style: chr1-204380325-G-C.
Other names: short protein forms A72G.
Identifiers: ClinVar variation 3700341 (VCV003700341.2).